The following is an entry in ClinVar:

NM_001039706.3(CFAP69):c.2668G>A (p.Gly890Arg)

Gene: CFAP69 (cilia and flagella associated protein 69; plus strand). Cytogenetic location: 7q21.13.
Variant type: single nucleotide variant.
Coding change: c.2668G>A on transcript NM_001039706.3 (MANE Select); coding-DNA position 2668, G replaced by A.
Protein change: p.Gly890Arg; replaces glycine 890 with arginine.
Molecular consequence: missense variant.
Genome position (GRCh38, 1-based): chr7:90,310,080, G>A. VCF-style: chr7-90310080-G-A. GRCh37 (hg19) VCF-style: chr7-89939394-G-A.
Other names: NC_000007.13:g.89939394G>A; c.2614G>A, p.Gly872Arg (NM_001160138.2); c.2470G>A, p.Gly824Arg (NM_001363438.1); short protein forms G824R, G890R, G872R.
Identifiers: ClinVar variation 4340434 (VCV004340434.3).

ClinVar aggregate classification (germline): Likely benign (1 of 4 stars; one submission).

gnomAD v4.1: 806 of 1,608,438 alleles (0.05%); highest among the groups gnomAD compares: Middle Eastern, 0.18%; 1 homozygote.

Submissions (2):

CeGaT Center for Human Genetics Tuebingen
Classification: Likely benign. Last evaluated: 2026-06-01. Review status: criteria provided, single submitter. Criteria: CeGaT Center For Human Genetics Tuebingen Variant Classification Criteria Version 2. Collection method: clinical testing. Allele origin: germline. Affected: yes. Observed: 1 variant allele.
Comment: CFAP69: BP4

Dr. Peter K. Rogan Lab, Western University
No classification provided (evidence only). Condition: Gastric cancer. Review status: no classification provided. Collection method: in vitro. Allele origin: not applicable. Functional consequence: retained intron. Not counted in ClinVar's aggregate classification.